The following is an entry in ClinVar:

ClinVar aggregate classification (germline): Uncertain significance. Review status: criteria provided, multiple submitters, no conflicts (2 of 4 stars). 3 submissions from 2 submitters: Uncertain significance (3). Last evaluated 2022-09-27.

Conditions:
Autosomal dominant nonsyndromic hearing loss 17. Also called: Deafness, autosomal dominant 17; Autosomal dominant nonsyndromic deafness 17. Identifiers: Orphanet 90635, MedGen C1863659, MONDO:0011350, OMIM 603622.
MYH9-related disorder. Identifiers: MedGen C1854520.

Allele frequency attached by ClinVar (database versions not stated): gnomAD exomes 0.00001; TOPMed 0.00001; gnomAD 0.00002 and 0.00003.
gnomAD v4.1: 19 of 1,612,286 alleles (0.0012%); highest among the groups gnomAD compares: Non-Finnish European, 0.0016%; no homozygotes.

Submissions (3):

PreventionGenetics, part of Exact Sciences
Classification: Uncertain significance for MYH9-related condition. Last evaluated: 2022-09-27. Review status: criteria provided, single submitter. Criteria: ACMG Guidelines, 2015. Collection method: clinical testing. Allele origin: germline.
Comment: The MYH9 c.5191A>G variant is predicted to result in the amino acid substitution p.Ile1731Val. To our knowledge, this variant has not been reported in the literature. This variant is reported in 0.0024% of alleles in individuals of European (Non-Finnish) descent in gnomAD. At this time, the clinical significance of this variant is uncertain due to the absence of conclusive functional and genetic evidence.

Illumina Laboratory Services, Illumina
Classification: Uncertain significance for MYH9-related disorder. Last evaluated: 2018-01-13. Review status: criteria provided, single submitter. Criteria: ICSL Variant Classification Criteria 13 December 2019. Collection method: clinical testing. Allele origin: germline.

Illumina Laboratory Services, Illumina
Classification: Uncertain significance for Autosomal dominant nonsyndromic hearing loss 17. Last evaluated: 2018-01-13. Review status: criteria provided, single submitter. Criteria: ICSL Variant Classification Criteria 13 December 2019. Collection method: clinical testing. Allele origin: germline.

NM_002473.6(MYH9):c.5191A>G (p.Ile1731Val)

Gene: MYH9 (myosin heavy chain 9; minus strand). Cytogenetic location: 22q12.3.
Variant type: single nucleotide variant.
Coding change: c.5191A>G on transcript NM_002473.6 (MANE Select); coding-DNA position 5191, A replaced by G.
Protein change: p.Ile1731Val; replaces isoleucine 1731 with valine.
Molecular consequence: missense variant.
Genome position (GRCh38, 1-based): chr22:36,285,741, T>C on the plus strand (A>G on the coding strand, the complement: MYH9 is on the minus strand). VCF-style: chr22-36285741-T-C. GRCh37 (hg19) VCF-style: chr22-36681787-T-C.
Other names: c.5191A>G (NM_002473.5); short protein forms I1731V.
Identifiers: ClinVar variation 902510 (VCV000902510.5), dbSNP rs1205219578, ClinGen allele CA411374033.
Genomic context (GRCh38, chr22:36,285,741, plus strand): 5'-GGTCGTTGATCAGCTCCGTGTTGCCCTGCTCCTCCTCCAGCTCCTCCTCCAGCTGGGCGA[T>C]GCGGGCCTCCAGACGCCGCTTCTCCTCTAACGCCAGGGCTCTGCGGGGTGGGCGGGAGAA-3'
Protein context (NP_002464.1, residues 1721-1741): LEEKRRLEAR[Ile1731Val]AQLEEELEEE